The following is an entry in ClinVar:

ClinVar aggregate classification (germline): Pathogenic (1 of 4 stars; one submission).

Allele frequency attached by ClinVar (database versions not stated): gnomAD exomes below 0.00001.

Submission:

Labcorp Genetics (formerly Invitae), Labcorp
Classification: Pathogenic. Last evaluated: 2023-01-28. Review status: criteria provided, single submitter. Criteria: Invitae Variant Classification Sherloc (09022015). Collection method: clinical testing. Allele origin: germline.
Comment: For these reasons, this variant has been classified as Pathogenic. Disruption of the initiator codon has been observed in individual(s) with autosomal recessive dystrophic epidermolysis bullosa (PMID: 19665875). This variant is not present in population databases (gnomAD no frequency). This sequence change affects the initiator methionine of the COL7A1 mRNA. The next in-frame methionine is located at codon 410.

Literature cited by the submitters: PubMed 19665875.

NM_000094.4(COL7A1):c.3G>T (p.Met1Ile)

Gene: COL7A1 (collagen type VII alpha 1 chain; minus strand). Cytogenetic location: 3p21.31.
Variant type: single nucleotide variant.
Coding change: c.3G>T on transcript NM_000094.4 (MANE Select); coding-DNA position 3, G replaced by T.
Protein change: p.Met1Ile; changes the start codon (methionine 1).
Molecular consequence: missense variant, initiator codon variant.
Genome position (GRCh38, 1-based): chr3:48,595,157, C>A on the plus strand (G>T on the coding strand, the complement: COL7A1 is on the minus strand). VCF-style: chr3-48595157-C-A. GRCh37 (hg19) VCF-style: chr3-48632590-C-A.
Other names: short protein forms M1I.
Identifiers: ClinVar variation 2734531 (VCV002734531.3), dbSNP rs2531378919, ClinGen allele CA352750721.